The following is an entry in ClinVar:

NM_022893.4(BCL11A):c.-13C>T

Gene: BCL11A (BCL11 transcription factor A; minus strand). Cytogenetic location: 2p16.1.
Variant type: single nucleotide variant.
Coding change: c.-13C>T on transcript NM_022893.4 (MANE Select); 13 bases upstream of the start codon, C replaced by T.
Molecular consequence: 5 prime UTR variant.
Genome position (GRCh38, 1-based): chr2:60,553,283, G>A on the plus strand (C>T on the coding strand, the complement: BCL11A is on the minus strand). VCF-style: chr2-60553283-G-A. GRCh37 (hg19) VCF-style: chr2-60780418-G-A.
Other names: c.-13C>T (NM_001363864.1, NM_001365609.1, NM_018014.4 and 1 more transcripts).
Identifiers: ClinVar variation 1698614 (VCV001698614.1), dbSNP rs1318872521, ClinGen allele CA2576975882.

ClinVar aggregate classification (germline): Uncertain significance (1 of 4 stars; one submission).

Submission:

Women's Health and Genetics/Laboratory Corporation of America, LabCorp
Classification: Uncertain significance. Last evaluated: 2022-06-22. Review status: criteria provided, single submitter. Criteria: LabCorp Variant Classification Summary - May 2015. Collection method: clinical testing. Allele origin: germline.
Comment: Variant summary: BCL11A c.-13C>T is located in the untranslated mRNA region upstream of the initiation codon. The variant was absent in 193362 control chromosomes (gnomAD). The available data on variant occurrences in the general population are insufficient to allow any conclusion about variant significance. To our knowledge, no occurrence of c.-13C>T in individuals affected with Intellectual Developmental Disorder With Persistence Of Fetal Hemoglobin and no experimental evidence demonstrating its impact on protein function have been reported. No clinical diagnostic laboratories have submitted clinical-significance assessments for this variant to ClinVar after 2014. Based on the evidence outlined above, the variant was classified as uncertain significance.